The following is an entry in ClinVar:

NM_002529.4(NTRK1):c.782A>G (p.Lys261Arg)

Gene: NTRK1 (neurotrophic receptor tyrosine kinase 1; plus strand). Cytogenetic location: 1q23.1.
Variant type: single nucleotide variant.
Coding change: c.782A>G on transcript NM_002529.4 (MANE Select); coding-DNA position 782, A replaced by G.
Protein change: p.Lys261Arg; replaces lysine 261 with arginine.
Molecular consequence: missense variant.
Genome position (GRCh38, 1-based): chr1:156,871,687, A>G. VCF-style: chr1-156871687-A-G. GRCh37 (hg19) VCF-style: chr1-156841479-A-G.
Other names: c.782A>G, p.Lys261Arg (NM_001012331.2); c.692A>G, p.Lys231Arg (NM_001007792.1); short protein forms K231R, K261R.
Identifiers: ClinVar variation 1400070 (VCV001400070.5), dbSNP rs1324522638, ClinGen allele CA342935146.

ClinVar aggregate classification (germline): Uncertain significance (1 of 4 stars; one submission).

Conditions:
Hereditary insensitivity to pain with anhidrosis (CIPA). Also called: HSAN Type IV; NTRK1 Congenital Insensitivity to Pain with Anhidrosis; FAMILIAL DYSAUTONOMIA, TYPE II; NEUROPATHY, CONGENITAL SENSORY, WITH ANHIDROSIS; hereditary sensory and autonomic neuropathy type 4; INSENSITIVITY TO PAIN, CONGENITAL, WITH ANHIDROSIS. Identifiers: Orphanet 642, MedGen C0020074, MONDO:0009746, OMIM 256800.

Allele frequency attached by ClinVar (database versions not stated): gnomAD exomes below 0.00001; gnomAD 0.00001.
gnomAD v4.1: 4 of 1,614,092 alleles (0.00025%); highest among the groups gnomAD compares: East Asian, 0.0022%; no homozygotes.

Submission:

Labcorp Genetics (formerly Invitae), Labcorp
Classification: Uncertain significance for Hereditary insensitivity to pain with anhidrosis. Last evaluated: 2021-09-01. Review status: criteria provided, single submitter. Criteria: Invitae Variant Classification Sherloc (09022015). Collection method: clinical testing. Allele origin: germline.
Comment: This sequence change replaces lysine with arginine at codon 261 of the NTRK1 protein (p.Lys261Arg). The lysine residue is moderately conserved and there is a small physicochemical difference between lysine and arginine. This variant is not present in population databases (ExAC no frequency). This variant has not been reported in the literature in individuals affected with NTRK1-related conditions. Advanced modeling of protein sequence and biophysical properties (such as structural, functional, and spatial information, amino acid conservation, physicochemical variation, residue mobility, and thermodynamic stability) performed at Invitae indicates that this missense variant is not expected to disrupt NTRK1 protein function. In summary, the available evidence is currently insufficient to determine the role of this variant in disease. Therefore, it has been classified as a Variant of Uncertain Significance.